The following is an entry in ClinVar:

ClinVar aggregate classification (germline): Conflicting classifications of pathogenicity. Review status: criteria provided, conflicting classifications (1 of 4 stars). 2 submissions from 2 submitters: Likely pathogenic (1); Uncertain significance (1). Last evaluated 2023-05-02.

Conditions:
Propionic acidemia (PROP). Also called: GLYCINEMIA, KETOTIC; HYPERGLYCINEMIA WITH KETOACIDOSIS AND LEUKOPENIA; KETOTIC HYPERGLYCINEMIA. Identifiers: Orphanet 35, MedGen C0268579, MONDO:0011628, OMIM 606054, HP:0003571.

Submissions (2):

Labcorp Genetics (formerly Invitae), Labcorp
Classification: Likely pathogenic for Propionic acidemia. Last evaluated: 2023-05-02. Review status: criteria provided, single submitter. Criteria: Invitae Variant Classification Sherloc (09022015). Collection method: clinical testing. Allele origin: germline.
Comment: This variant disrupts the p.Ala438 amino acid residue in PCCB. Other variant(s) that disrupt this residue have been determined to be pathogenic (PMID: 22033733). This suggests that this residue is clinically significant, and that variants that disrupt this residue are likely to be disease-causing. In summary, the currently available evidence indicates that the variant is pathogenic, but additional data are needed to prove that conclusively. Therefore, this variant has been classified as Likely Pathogenic. Advanced modeling of protein sequence and biophysical properties (such as structural, functional, and spatial information, amino acid conservation, physicochemical variation, residue mobility, and thermodynamic stability) performed at Invitae indicates that this missense variant is expected to disrupt PCCB protein function. ClinVar contains an entry for this variant (Variation ID: 2434595). This variant has not been reported in the literature in individuals affected with PCCB-related conditions. This variant is not present in population databases (gnomAD no frequency). This sequence change replaces alanine, which is neutral and non-polar, with aspartic acid, which is acidic and polar, at codon 438 of the PCCB protein (p.Ala438Asp).

Revvity Omics, Revvity
Classification: Uncertain significance for Propionic acidemia. Last evaluated: 2021-10-21. Review status: criteria provided, single submitter. Criteria: ACMG Guidelines, 2015. Collection method: clinical testing. Allele origin: germline.

Literature cited by the submitters: PubMed 22033733 (cited by Labcorp Genetics (formerly Invitae), Labcorp).

NM_000532.5(PCCB):c.1313C>A (p.Ala438Asp)

Gene: PCCB (propionyl-CoA carboxylase subunit beta; plus strand). Cytogenetic location: 3q22.3.
Variant type: single nucleotide variant.
Coding change: c.1313C>A on transcript NM_000532.5 (MANE Select); coding-DNA position 1313, C replaced by A.
Protein change: p.Ala438Asp; replaces alanine 438 with aspartic acid.
Molecular consequence: missense variant.
Genome position (GRCh38, 1-based): chr3:136,327,647, C>A. VCF-style: chr3-136327647-C-A. GRCh37 (hg19) VCF-style: chr3-136046489-C-A.
Other names: c.1373C>A, p.Ala458Asp (NM_001178014.2); short protein forms A438D, A458D.
Identifiers: ClinVar variation 2434595 (VCV002434595.6), dbSNP rs2529974111, ClinGen allele CA354649293.